The following is an entry in ClinVar:

ClinVar aggregate classification (germline): Uncertain significance. Review status: criteria provided, multiple submitters, no conflicts (2 of 4 stars). 2 submissions from 2 submitters: Uncertain significance (2). Last evaluated 2024-12-14.

Conditions:
Hereditary cancer-predisposing syndrome. Also called: Neoplastic Syndromes, Hereditary; Tumor predisposition; Hereditary Cancer Syndrome; Hereditary neoplastic syndrome. Identifiers: Orphanet 140162, MedGen C0027672, MeSH D009386, MONDO:0015356.
Familial adenomatous polyposis 1 (FAP1). Also called: FAMILIAL ADENOMATOUS POLYPOSIS 1, ATTENUATED; POLYPOSIS, ADENOMATOUS INTESTINAL. Identifiers: MedGen C2713442, MONDO:0021056, OMIM 175100. Disease mechanism: loss of function.

Allele frequency attached by ClinVar (database versions not stated): gnomAD exomes below 0.00001.
gnomAD v4.1: 1 of 1,614,154 alleles (0.000062%); highest among the groups gnomAD compares: Non-Finnish European, 0.000085%; no homozygotes.

Submissions (2):

Ambry Genetics
Classification: Uncertain significance for Hereditary cancer-predisposing syndrome. Last evaluated: 2024-12-14. Review status: criteria provided, single submitter. Criteria: Ambry Variant Classification Scheme 2023. Collection method: clinical testing. Allele origin: germline.
Comment: The p.T1141S variant (also known as c.3421A>T), located in coding exon 15 of the APC gene, results from an A to T substitution at nucleotide position 3421. The threonine at codon 1141 is replaced by serine, an amino acid with similar properties. This amino acid position is conserved. In addition, in silico predictors for this gene do not accurately predict pathogenicity. Based on the available evidence, the clinical significance of this variant remains unclear.

Labcorp Genetics (formerly Invitae), Labcorp
Classification: Uncertain significance for Familial adenomatous polyposis 1. Last evaluated: 2023-08-02. Review status: criteria provided, single submitter. Criteria: Invitae Variant Classification Sherloc (09022015). Collection method: clinical testing. Allele origin: germline.
Comment: This variant has not been reported in the literature in individuals affected with APC-related conditions. In summary, the available evidence is currently insufficient to determine the role of this variant in disease. Therefore, it has been classified as a Variant of Uncertain Significance. Advanced modeling of protein sequence and biophysical properties (such as structural, functional, and spatial information, amino acid conservation, physicochemical variation, residue mobility, and thermodynamic stability) performed at Invitae indicates that this missense variant is not expected to disrupt APC protein function. ClinVar contains an entry for this variant (Variation ID: 649872). This variant is not present in population databases (gnomAD no frequency). This sequence change replaces threonine, which is neutral and polar, with serine, which is neutral and polar, at codon 1141 of the APC protein (p.Thr1141Ser).

NM_000038.6(APC):c.3421A>T (p.Thr1141Ser)

Gene: APC (APC regulator of Wnt signaling pathway; plus strand). Cytogenetic location: 5q22.2.
Variant type: single nucleotide variant.
Coding change: c.3421A>T on transcript NM_000038.6 (MANE Select); coding-DNA position 3421, A replaced by T.
Protein change: p.Thr1141Ser; replaces threonine 1141 with serine.
Molecular consequence: missense variant.
Genome position (GRCh38, 1-based): chr5:112,839,015, A>T. VCF-style: chr5-112839015-A-T. GRCh37 (hg19) VCF-style: chr5-112174712-A-T.
Other names: c.3421A>T, p.Thr1141Ser (NM_001127510.3, NM_001354895.2); c.3367A>T, p.Thr1123Ser (NM_001127511.3); c.3475A>T, p.Thr1159Ser (NM_001354896.2); c.3451A>T, p.Thr1151Ser (NM_001354897.2); c.3346A>T, p.Thr1116Ser (NM_001354898.2); c.3337A>T, p.Thr1113Ser (NM_001354899.2); c.3298A>T, p.Thr1100Ser (NM_001354900.2); c.3244A>T, p.Thr1082Ser (NM_001354901.2); and 5 more; short protein forms T1015S, T1040S, T1050S, T1082S, T1100S, T1123S, T1159S, T981S.
Identifiers: ClinVar variation 649872 (VCV000649872.11), dbSNP rs1476899240, ClinGen allele CA16028833.